The following is an entry in ClinVar:

ClinVar aggregate classification (germline): Uncertain significance (1 of 4 stars; one submission).

Conditions:
Candidiasis, familial, 9 (CANDF9). Identifiers: Orphanet 1334, MedGen C4225324, MONDO:0014642, OMIM 616445.

gnomAD v4.1: 15 of 1,612,454 alleles (0.00093%); highest among the groups gnomAD compares: Admixed American, 0.023%; no homozygotes.

Submission:

Labcorp Genetics (formerly Invitae), Labcorp
Classification: Uncertain significance for Candidiasis, familial, 9. Last evaluated: 2026-01-22. Review status: criteria provided, single submitter. Criteria: Invitae Variant Classification Sherloc (09022015). Collection method: clinical testing. Allele origin: germline.
Comment: This sequence change replaces alanine, which is neutral and non-polar, with valine, which is neutral and non-polar, at codon 752 of the IL17RC protein (p.Ala752Val). This variant is present in population databases (rs371918201, gnomAD 0.03%). This variant has not been reported in the literature in individuals affected with IL17RC-related conditions. ClinVar contains an entry for this variant (Variation ID: 1052981). An algorithm developed to predict the effect of missense changes on protein structure and function outputs the following: PolyPhen-2: "Benign". The valine amino acid residue is found in multiple mammalian species, which suggests that this missense change does not adversely affect protein function. In summary, the available evidence is currently insufficient to determine the role of this variant in disease. Therefore, it has been classified as a Variant of Uncertain Significance.

NM_153460.4(IL17RC):c.2042C>T (p.Ala681Val)

Genes: IL17RC (interleukin 17 receptor C; plus strand), LOC129936144 (ATAC-STARR-seq lymphoblastoid silent region 14051; plus strand). Cytogenetic location: 3p25.3.
Variant type: single nucleotide variant.
Coding change: c.2042C>T on transcript NM_153460.4 (MANE Select); coding-DNA position 2042, C replaced by T.
Protein change: p.Ala681Val; replaces alanine 681 with valine.
Molecular consequence: missense variant. On other transcripts: non-coding transcript variant (1).
Genome position (GRCh38, 1-based): chr3:9,933,472, C>T. VCF-style: chr3-9933472-C-T. GRCh37 (hg19) VCF-style: chr3-9975156-C-T.
Other names: c.2003C>T, p.Ala668Val (NM_001203263.2); c.1952C>T, p.Ala651Val (NM_001203264.2); c.1946C>T, p.Ala649Val (NM_001203265.2); c.1964C>T, p.Ala655Val (NM_001367278.1); c.1883C>T, p.Ala628Val (NM_001367279.1); c.1958C>T, p.Ala653Val (NM_001367280.1); c.1997C>T, p.Ala666Val (NM_032732.6); c.2255C>T, p.Ala752Val (NM_153461.4); short protein forms A628V, A649V, A651V, A653V, A655V, A666V, A668V, A681V.
Identifiers: ClinVar variation 1052981 (VCV001052981.5), dbSNP rs371918201, ClinGen allele CA2247473.